The following is an entry in ClinVar:

ClinVar aggregate classification (germline): Uncertain significance. Review status: criteria provided, multiple submitters, no conflicts (2 of 4 stars). 2 submissions from 2 submitters: Uncertain significance (2). Last evaluated 2025-09-30.

Conditions:
Atypical hemolytic-uremic syndrome with thrombomodulin anomaly. Also called: HEMOLYTIC UREMIC SYNDROME, ATYPICAL, SUSCEPTIBILITY TO, 6; AHUS, SUSCEPTIBILITY TO, 6. Identifiers: MedGen C2752036, MONDO:0013044, OMIM 612926. Disease mechanism: gain of function.
Thrombomodulin-related bleeding disorder (THPH12). Also called: Thrombophilia due to thrombomodulin defect. Identifiers: Orphanet 436169, MedGen C3280976, MONDO:0013775, OMIM 614486.

Allele frequency attached by ClinVar (database versions not stated): gnomAD exomes 0.00005; ExAC 0.00008; ESP Exome Variant Server 0.00008; gnomAD 0.00021; TOPMed 0.00027; 1000 Genomes Project 0.00060; 1000 Genomes Project 30x 0.00078.
gnomAD v4.1: 50 of 1,595,922 alleles (0.0031%); highest among the groups gnomAD compares: African/African-American, 0.065%; no homozygotes.

Submissions (2):

Labcorp Genetics (formerly Invitae), Labcorp
Classification: Uncertain significance. Last evaluated: 2025-09-30. Review status: criteria provided, single submitter. Criteria: Invitae Variant Classification Sherloc (09022015). Collection method: clinical testing. Allele origin: germline.
Comment: This sequence change replaces asparagine, which is neutral and polar, with isoleucine, which is neutral and non-polar, at codon 289 of the THBD protein (p.Asn289Ile). This variant is present in population databases (rs143748797, gnomAD 0.07%), and has an allele count higher than expected for a pathogenic variant. This variant has not been reported in the literature in individuals affected with THBD-related conditions. ClinVar contains an entry for this variant (Variation ID: 1418731). Invitae Evidence Modeling of protein sequence and biophysical properties (such as structural, functional, and spatial information, amino acid conservation, physicochemical variation, residue mobility, and thermodynamic stability) indicates that this missense variant is not expected to disrupt THBD protein function with a negative predictive value of 80%. In summary, the available evidence is currently insufficient to determine the role of this variant in disease. Therefore, it has been classified as a Variant of Uncertain Significance.

Fulgent Genetics
Classification: Uncertain significance for Atypical hemolytic-uremic syndrome with thrombomodulin anomaly; Thrombomodulin-related bleeding disorder. Last evaluated: 2022-05-31. Review status: criteria provided, single submitter. Criteria: ACMG Guidelines, 2015. Collection method: clinical testing. Allele origin: unknown.

NM_000361.3(THBD):c.866A>T (p.Asn289Ile)

Gene: THBD (thrombomodulin; minus strand). Cytogenetic location: 20p11.21.
Variant type: single nucleotide variant.
Coding change: c.866A>T on transcript NM_000361.3 (MANE Select); coding-DNA position 866, A replaced by T.
Protein change: p.Asn289Ile; replaces asparagine 289 with isoleucine.
Molecular consequence: missense variant.
Genome position (GRCh38, 1-based): chr20:23,048,639, T>A on the plus strand (A>T on the coding strand, the complement: THBD is on the minus strand). VCF-style: chr20-23048639-T-A. GRCh37 (hg19) VCF-style: chr20-23029276-T-A.
Other names: short protein forms N289I.
Identifiers: ClinVar variation 1418731 (VCV001418731.7), dbSNP rs143748797, ClinGen allele CA9787677.